The following is an entry in ClinVar:

NM_001348323.3(TRIP12):c.3769A>G (p.Arg1257Gly)

Gene: TRIP12 (thyroid hormone receptor interactor 12; minus strand). Cytogenetic location: 2q36.3.
Variant type: single nucleotide variant.
Coding change: c.3769A>G on transcript NM_001348323.3 (MANE Select); coding-DNA position 3769, A replaced by G.
Protein change: p.Arg1257Gly; replaces arginine 1257 with glycine.
Molecular consequence: missense variant.
Genome position (GRCh38, 1-based): chr2:229,796,638, T>C on the plus strand (A>G on the coding strand, the complement: TRIP12 is on the minus strand). VCF-style: chr2-229796638-T-C. GRCh37 (hg19) VCF-style: chr2-230661354-T-C.
Other names: c.3688A>G, p.Arg1230Gly (NM_001284214.2, NM_001348315.2); c.3643A>G, p.Arg1215Gly (NM_001284215.2, NM_001348316.2, NM_001348317.1 and 1 more transcripts); c.2734A>G, p.Arg912Gly (NM_001284216.2); c.3769A>G, p.Arg1257Gly (NM_001348319.1, NM_001348320.2, NM_001348322.1 and 4 more transcripts); c.3772A>G, p.Arg1258Gly (NM_001348321.1, NM_001348328.1, NM_001348329.2 and 1 more transcripts); c.3562A>G, p.Arg1188Gly (NM_001348331.1); c.3682A>G, p.Arg1228Gly (NM_001348332.1); c.3691A>G, p.Arg1231Gly (NM_001348333.1); and 2 more; short protein forms R1230G, R912G, R1182G, R1228G, R1257G, R1231G, R1258G, R1188G.
Identifiers: ClinVar variation 4960409 (VCV004960409.2).

ClinVar aggregate classification (germline): Uncertain significance. Review status: criteria provided, multiple submitters, no conflicts (2 of 4 stars). 2 submissions from 2 submitters: Uncertain significance (2). Last evaluated 2026-03-22.

Submissions (2):

GeneDx
Classification: Uncertain significance. Last evaluated: 2026-03-22. Review status: criteria provided, single submitter. Criteria: GeneDx Variant Classification Process June 2021. Collection method: clinical testing. Allele origin: germline.
Comment: Not observed at significant frequency in large population cohorts (gnomAD); In silico analysis supports that this missense variant has a deleterious effect on protein structure/function; Has not been previously published as pathogenic or benign to our knowledge

Blueprint Genetics
Classification: Uncertain significance. Last evaluated: 2024-07-30. Review status: criteria provided, single submitter. Criteria: ACMG Guidelines, 2015. Collection method: clinical testing. Allele origin: germline.